The following is an entry in ClinVar:

ClinVar aggregate classification (germline): Uncertain significance. Review status: criteria provided, multiple submitters, no conflicts (2 of 4 stars). 5 submissions from 5 submitters: Uncertain significance (5). Last evaluated 2026-01-30.

Conditions:
Nephronophthisis 11 (NPHP11). Identifiers: Orphanet 84081, MedGen C3150796, MONDO:0013302, OMIM 613550.
Bardet-Biedl syndrome 14 (BBS14). Identifiers: Orphanet 110, MedGen C2673874, MONDO:0014442, OMIM 615991.
RHYNS syndrome. Also called: RETINITIS PIGMENTOSA SYNDROME; RETINITIS PIGMENTOSA, HYPOPITUITARISM, NEPHRONOPHTHISIS, AND MILD SKELETAL DYSPLASIA. Identifiers: Orphanet 140976, MedGen C1865794, MONDO:0011202, OMIM 602152.
Meckel syndrome, type 3 (MKS3). Also called: MECKEL-GRUBER SYNDROME, TYPE 3. Identifiers: Orphanet 564, MedGen C1846357, MONDO:0011821, OMIM 607361.
Joubert syndrome 6 (JBTS6). Identifiers: Orphanet 475, MedGen C1853153, MONDO:0012539, OMIM 610688.
COACH syndrome 1. Identifiers: Orphanet 1454, MedGen C5435651, MONDO:0800103, OMIM 216360, MONDO:0008996.
TMEM67-related disorder. Also called: TMEM67-related disorders; TMEM67-related condition. Identifiers: MedGen CN239423.
Inborn genetic diseases. Identifiers: MedGen C0950123, MeSH D030342.
Meckel-Gruber syndrome. Also called: DYSENCEPHALIA SPLANCHNOCYSTICA; GRUBER SYNDROME; Dysencephalia splachnocystica. Identifiers: Orphanet 564, MedGen C0265215, MONDO:0018921.
Joubert syndrome. Also called: JOUBERT-BOLTSHAUSER SYNDROME; Familial aplasia of the vermis. Identifiers: Orphanet 475, MedGen C5979921, MONDO:0018772.

Allele frequency attached by ClinVar (database versions not stated): gnomAD exomes 0.00001 and 0.00007; TOPMed 0.00002; ExAC 0.00007.
gnomAD v4.1: 17 of 1,613,660 alleles (0.0011%); highest among the groups gnomAD compares: Admixed American, 0.028%; no homozygotes.

Submissions (5):

PreventionGenetics, part of Exact Sciences
Classification: Uncertain significance for TMEM67-related condition. Last evaluated: 2026-01-30. Review status: criteria provided, single submitter. Criteria: ACMG Guidelines, 2015. Collection method: clinical testing. Allele origin: germline.
Comment: The TMEM67 c.2162C>G variant is predicted to result in the amino acid substitution p.Pro721Arg. To our knowledge, this variant has not been reported in the literature. This variant is reported in 0.049% of alleles in individuals of Latino descent in gnomAD. Although we suspect that this variant may be benign, at this time, the clinical significance of this variant is uncertain due to the absence of conclusive functional and genetic evidence.

Ambry Genetics
Classification: Uncertain significance for Inborn genetic diseases. Last evaluated: 2025-12-11. Review status: criteria provided, single submitter. Criteria: Ambry Variant Classification Scheme 2023. Collection method: clinical testing. Allele origin: germline.

Labcorp Genetics (formerly Invitae), Labcorp
Classification: Uncertain significance for Joubert syndrome; Meckel-Gruber syndrome. Last evaluated: 2024-10-17. Review status: criteria provided, single submitter. Criteria: Invitae Variant Classification Sherloc (09022015). Collection method: clinical testing. Allele origin: germline.
Comment: This sequence change replaces proline, which is neutral and non-polar, with arginine, which is basic and polar, at codon 721 of the TMEM67 protein (p.Pro721Arg). This variant is present in population databases (rs757105976, gnomAD 0.05%). This variant has not been reported in the literature in individuals affected with TMEM67-related conditions. ClinVar contains an entry for this variant (Variation ID: 1421324). Invitae Evidence Modeling of protein sequence and biophysical properties (such as structural, functional, and spatial information, amino acid conservation, physicochemical variation, residue mobility, and thermodynamic stability) has been performed for this missense variant. However, the output from this modeling did not meet the statistical confidence thresholds required to predict the impact of this variant on TMEM67 protein function. In summary, the available evidence is currently insufficient to determine the role of this variant in disease. Therefore, it has been classified as a Variant of Uncertain Significance.

Fulgent Genetics
Classification: Uncertain significance for COACH syndrome 1; RHYNS syndrome; Meckel syndrome, type 3; Joubert syndrome 6; Nephronophthisis 11; Bardet-Biedl syndrome 14. Last evaluated: 2021-09-20. Review status: criteria provided, single submitter. Criteria: ACMG Guidelines, 2015. Collection method: clinical testing. Allele origin: unknown.

Blueprint Genetics
Classification: Uncertain significance. Last evaluated: 2019-01-13. Review status: criteria provided, single submitter. Criteria: ACMG Guidelines, 2015. Collection method: clinical testing. Allele origin: germline.

NM_153704.6(TMEM67):c.2162C>G (p.Pro721Arg)

Gene: TMEM67 (transmembrane protein 67; plus strand). Cytogenetic location: 8q22.1.
Variant type: single nucleotide variant.
Coding change: c.2162C>G on transcript NM_153704.6 (MANE Select); coding-DNA position 2162, C replaced by G.
Protein change: p.Pro721Arg; replaces proline 721 with arginine.
Molecular consequence: missense variant. On other transcripts: non-coding transcript variant (1).
Genome position (GRCh38, 1-based): chr8:93,799,679, C>G. VCF-style: chr8-93799679-C-G. GRCh37 (hg19) VCF-style: chr8-94811907-C-G.
Other names: c.2162C>G (NM_153704.5); c.1919C>G, p.Pro640Arg (NM_001142301.1); short protein forms P640R, P721R.
Identifiers: ClinVar variation 1421324 (VCV001421324.9), dbSNP rs757105976, ClinGen allele CA4808216.
Genomic context (GRCh38, chr8:93,799,679, plus strand): 5'-TTGTGGGATTCAAGAACTTAGCATTAATGGACTCATCTTCTAGTCTTTCTAGAAACCCAC[C>G]TAGCTACATAGCTCCTTATAGCTGCATTTTGAGATATGCAGTGTCTGCTGCTCTTTGGCT-3'
Protein context (NP_714915.3, residues 711-731): DSSSSLSRNP[Pro721Arg]SYIAPYSCIL